The following is an entry in ClinVar:

ClinVar aggregate classification (germline): Likely benign (1 of 4 stars; one submission).

Conditions:
SEMA3G-related disorder. Also called: SEMA3G-related condition.

gnomAD v4.1: 22 of 1,613,622 alleles (0.0014%); highest among the groups gnomAD compares: Non-Finnish European, 0.0018%; no homozygotes.

Submission:

PreventionGenetics, part of Exact Sciences
Classification: Likely benign for SEMA3G-related condition. Last evaluated: 2025-08-05. Review status: criteria provided, single submitter. Criteria: ACMG Guidelines, 2015. Collection method: clinical testing. Allele origin: germline.
Comment: This variant is classified as likely benign based on ACMG/AMP sequence variant interpretation guidelines (Richards et al. 2015 PMID: 25741868, with internal and published modifications).

NM_020163.3(SEMA3G):c.762C>T (p.Pro254=)

Gene: SEMA3G (semaphorin 3G; minus strand). Cytogenetic location: 3p21.1.
Variant type: single nucleotide variant.
Coding change: c.762C>T on transcript NM_020163.3 (MANE Select); coding-DNA position 762, C replaced by T.
Protein change: p.Pro254=; no amino-acid change (proline 254 retained).
Molecular consequence: synonymous variant.
Genome position (GRCh38, 1-based): chr3:52,441,315, G>A on the plus strand (C>T on the coding strand, the complement: SEMA3G is on the minus strand). VCF-style: chr3-52441315-G-A. GRCh37 (hg19) VCF-style: chr3-52475331-G-A.
Identifiers: ClinVar variation 4990292 (VCV004990292.1).